The following is an entry in ClinVar:

NM_004366.6(CLCN2):c.1936C>T (p.Arg646Trp)

Gene: CLCN2 (chloride voltage-gated channel 2; minus strand). Cytogenetic location: 3q27.1.
Variant type: single nucleotide variant.
Coding change: c.1936C>T on transcript NM_004366.6 (MANE Select); coding-DNA position 1936, C replaced by T.
Protein change: p.Arg646Trp; replaces arginine 646 with tryptophan.
Molecular consequence: missense variant.
Genome position (GRCh38, 1-based): chr3:184,353,342, G>A on the plus strand (C>T on the coding strand, the complement: CLCN2 is on the minus strand). VCF-style: chr3-184353342-G-A. GRCh37 (hg19) VCF-style: chr3-184071130-G-A.
Other names: c.1885C>T, p.Arg629Trp (NM_001171087.3); c.1804C>T, p.Arg602Trp (NM_001171088.3); c.1936C>T, p.Arg646Trp (NM_001171089.3); short protein forms R646W, R629W, R602W.
Identifiers: ClinVar variation 2041573 (VCV002041573.4), dbSNP rs373554707, ClinGen allele CA2733933.

ClinVar aggregate classification (germline): Uncertain significance (1 of 4 stars; one submission).

Allele frequency attached by ClinVar (database versions not stated): TOPMed 0.00003; ExAC 0.00002; gnomAD 0.00003; ESP Exome Variant Server 0.00008.
gnomAD v4.1: 112 of 1,613,058 alleles (0.0069%); highest among the groups gnomAD compares: Middle Eastern, 0.016%; no homozygotes.

Submission:

Labcorp Genetics (formerly Invitae), Labcorp
Classification: Uncertain significance. Last evaluated: 2024-09-23. Review status: criteria provided, single submitter. Criteria: Invitae Variant Classification Sherloc (09022015). Collection method: clinical testing. Allele origin: germline.
Comment: This sequence change replaces arginine, which is basic and polar, with tryptophan, which is neutral and slightly polar, at codon 646 of the CLCN2 protein (p.Arg646Trp). The frequency data for this variant in the population databases is considered unreliable, as metrics indicate poor data quality at this position in the gnomAD database. This variant has not been reported in the literature in individuals affected with CLCN2-related conditions. ClinVar contains an entry for this variant (Variation ID: 2041573). Invitae Evidence Modeling of protein sequence and biophysical properties (such as structural, functional, and spatial information, amino acid conservation, physicochemical variation, residue mobility, and thermodynamic stability) indicates that this missense variant is not expected to disrupt CLCN2 protein function with a negative predictive value of 80%. In summary, the available evidence is currently insufficient to determine the role of this variant in disease. Therefore, it has been classified as a Variant of Uncertain Significance.